The following is an entry in ClinVar:

NM_006940.6(SOX5):c.1075G>A (p.Gly359Ser)

Gene: SOX5 (SRY-box transcription factor 5; minus strand). Cytogenetic location: 12p12.1.
Variant type: single nucleotide variant.
Coding change: c.1075G>A on transcript NM_006940.6 (MANE Select); coding-DNA position 1075, G replaced by A.
Protein change: p.Gly359Ser; replaces glycine 359 with serine.
Molecular consequence: missense variant.
Genome position (GRCh38, 1-based): chr12:23,604,476, C>T on the plus strand (G>A on the coding strand, the complement: SOX5 is on the minus strand). VCF-style: chr12-23604476-C-T. GRCh37 (hg19) VCF-style: chr12-23757410-C-T.
Other names: c.1036G>A, p.Gly346Ser (NM_001261414.3, NM_152989.5); c.1045G>A, p.Gly349Ser (NM_001261415.3); c.970G>A, p.Gly324Ser (NM_001330785.2); short protein forms G346S, G359S, G324S, G349S.
Identifiers: ClinVar variation 592122 (VCV000592122.35), dbSNP rs754590341, ClinGen allele CA234560605.

ClinVar aggregate classification (germline): Uncertain significance. Review status: criteria provided, multiple submitters, no conflicts (2 of 4 stars). 4 submissions from 4 submitters: Uncertain significance (3). 1 of the submissions does not count toward it. Last evaluated 2022-06-01.

Conditions:
Inborn genetic diseases. Identifiers: MedGen C0950123, MeSH D030342.
Lamb-Shaffer syndrome. Identifiers: Orphanet 313884, Orphanet 313892, Orphanet 530983, MedGen C4225202, MONDO:0014778, OMIM 616803.

gnomAD v4.1: 19 of 1,613,808 alleles (0.0012%); highest among the groups gnomAD compares: Middle Eastern, 0.12%; no homozygotes.

Submissions (4):

CeGaT Center for Human Genetics Tuebingen
Classification: Uncertain significance. Last evaluated: 2022-06-01. Review status: criteria provided, single submitter. Criteria: CeGaT Center For Human Genetics Tuebingen Variant Classification Criteria Version 2. Collection method: clinical testing. Allele origin: germline. Affected: yes. Observed: 1 variant allele.
Comment: SOX5: PP2, BP5

Ambry Genetics
Classification: Uncertain significance for Inborn genetic diseases. Last evaluated: 2021-02-17. Review status: criteria provided, single submitter. Criteria: Ambry Variant Classification Scheme 2023. Collection method: clinical testing. Allele origin: germline.

Baylor Genetics
Classification: Uncertain significance for Lamb-Shaffer syndrome. Last evaluated: 2020-06-02. Review status: criteria provided, single submitter. Criteria: ACMG Guidelines, 2015. Collection method: clinical testing. Allele origin: unknown. Affected: yes.
Comment: This variant was determined to be of uncertain significance according to ACMG Guidelines, 2015 [PMID:25741868].

Biochemical Molecular Genetic Laboratory, King Abdulaziz Medical City
Classification: Uncertain significance for Lamb-Shaffer syndrome. Last evaluated: 2018-06-08. Review status: no assertion criteria provided. Collection method: clinical testing. Allele origin: germline. Affected: yes. Not counted in ClinVar's aggregate classification.